The following is an entry in ClinVar:

ClinVar aggregate classification (germline): Uncertain significance. Review status: criteria provided, multiple submitters, no conflicts (2 of 4 stars). 4 submissions from 4 submitters: Uncertain significance (4). Last evaluated 2026-06-09.

Conditions:
Epidermolysis bullosa simplex, Ogna type (EBS5A). Also called: Pidermolysis bullosa simplex 5A, Ogna type; EPIDERMOLYSIS BULLOSA SIMPLEX 5A, OGNA TYPE. Identifiers: Orphanet 79401, MedGen C0432317, MONDO:0007555, OMIM 131950.
Epidermolysis bullosa simplex 5B, with muscular dystrophy (EBS5B). Also called: Epidermolysis bullosa simplex with muscular dystrophy; EPIDERMOLYSIS BULLOSA SIMPLEX AND LIMB-GIRDLE MUSCULAR DYSTROPHY. Identifiers: Orphanet 257, MedGen C2931072, MONDO:0009181, OMIM 226670.
Autosomal recessive limb-girdle muscular dystrophy type 2Q (LGMDR17). Also called: MUSCULAR DYSTROPHY, LIMB-GIRDLE, AUTOSOMAL RECESSIVE 17. Identifiers: Orphanet 254361, MedGen C3150989, MONDO:0013390, OMIM 613723.
Epidermolysis bullosa simplex with nail dystrophy (EBS5D). Identifiers: MedGen C4225309, MONDO:0014661, OMIM 616487.
Epidermolysis bullosa simplex 5C, with pyloric atresia (EBS5C). Also called: Epidermolysis bullosa simplex with pyloric atresia; PLEC-Related Epidermolysis Bullosa with Pyloric Atresia; PLEC1-Related Epidermolysis Bullosa with Pyloric Atresia. Identifiers: Orphanet 158684, MedGen C2677349, MONDO:0012807, OMIM 612138.
Inborn genetic diseases. Identifiers: MedGen C0950123, MeSH D030342.

Allele frequency attached by ClinVar (database versions not stated): ESP Exome Variant Server 0.00008; 1000 Genomes Project 30x 0.00031; TOPMed 0.00002; ExAC 0.00003; gnomAD exomes 0.00004.

Submissions (4):

Ambry Genetics
Classification: Uncertain significance for Inborn genetic diseases. Last evaluated: 2026-06-09. Review status: criteria provided, single submitter. Criteria: Ambry Variant Classification Scheme 2023. Collection method: clinical testing. Allele origin: germline.

Labcorp Genetics (formerly Invitae), Labcorp
Classification: Uncertain significance for Autosomal recessive limb-girdle muscular dystrophy type 2Q; Epidermolysis bullosa simplex, Ogna type; Epidermolysis bullosa simplex with nail dystrophy; Epidermolysis bullosa simplex 5C, with pyloric atresia; Epidermolysis bullosa simplex 5B, with muscular dystrophy. Last evaluated: 2025-10-14. Review status: criteria provided, single submitter. Criteria: Invitae Variant Classification Sherloc (09022015). Collection method: clinical testing. Allele origin: germline.
Comment: This sequence change replaces arginine, which is basic and polar, with histidine, which is basic and polar, at codon 934 of the PLEC protein (p.Arg934His). This variant is present in population databases (rs374310349, gnomAD 0.01%). This variant has not been reported in the literature in individuals affected with PLEC-related conditions. ClinVar contains an entry for this variant (Variation ID: 499379). Invitae Evidence Modeling of protein sequence and biophysical properties (such as structural, functional, and spatial information, amino acid conservation, physicochemical variation, residue mobility, and thermodynamic stability) has been performed for this missense variant. However, the output from this modeling did not meet the statistical confidence thresholds required to predict the impact of this variant on PLEC protein function. In summary, the available evidence is currently insufficient to determine the role of this variant in disease. Therefore, it has been classified as a Variant of Uncertain Significance.

Revvity Omics, Revvity
Classification: Uncertain significance. Last evaluated: 2023-03-21. Review status: criteria provided, single submitter. Criteria: ACMG Guidelines, 2015. Collection method: clinical testing. Allele origin: germline.

Eurofins Ntd Llc (ga)
Classification: Uncertain significance. Last evaluated: 2017-01-04. Review status: criteria provided, single submitter. Criteria: EGL Classification Definitions 2015. Collection method: clinical testing. Allele origin: germline. Observed: 1 variant allele, 1 heterozygote.

NM_201384.3(PLEC):c.2720G>A (p.Arg907His)

Gene: PLEC (plectin; minus strand). Cytogenetic location: 8q24.3.
Variant type: single nucleotide variant.
Coding change: c.2720G>A on transcript NM_201384.3 (MANE Select); coding-DNA position 2720, G replaced by A.
Protein change: p.Arg907His; replaces arginine 907 with histidine.
Molecular consequence: missense variant.
Genome position (GRCh38, 1-based): chr8:143,929,955, C>T on the plus strand (G>A on the coding strand, the complement: PLEC is on the minus strand). VCF-style: chr8-143929955-C-T. GRCh37 (hg19) VCF-style: chr8-145004123-C-T.
Other names: c.2801G>A (NM_000445.3); c.2801G>A, p.Arg934His (NM_000445.5); c.2678G>A, p.Arg893His (NM_201378.4); c.2654G>A, p.Arg885His (NM_201379.3); c.3131G>A, p.Arg1044His (NM_201380.4); c.2624G>A, p.Arg875His (NM_201381.3); c.2720G>A, p.Arg907His (NM_201382.4); c.2732G>A, p.Arg911His (NM_201383.3); short protein forms R1044H, R875H, R885H, R893H, R907H, R911H, R934H.
Identifiers: ClinVar variation 499379 (VCV000499379.12), dbSNP rs374310349, ClinGen allele CA4927405.